The following is an entry in ClinVar:

ClinVar aggregate classification (germline): Uncertain significance (1 of 4 stars; one submission).

Conditions:
Renal carnitine transport defect (CDSP). Also called: Carnitine transporter deficiency; Carnitine Deficiency, Systemic; CARNITINE DEFICIENCY, SYSTEMIC, DUE TO DEFECT IN RENAL REABSORPTION OF CARNITINE; CARNITINE TRANSPORTER, PLASMA-MEMBRANE, DEFICIENCY OF; CARNITINE UPTAKE DEFECT; Primary carnitine deficiency. Identifiers: Orphanet 158, MedGen C0342788, MONDO:0008919, OMIM 212140.

gnomAD v4.1: 1 of 1,613,368 alleles (0.000062%); highest among the groups gnomAD compares: South Asian, 0.0011%; no homozygotes.

Submission:

Labcorp Genetics (formerly Invitae), Labcorp
Classification: Uncertain significance for Renal carnitine transport defect. Last evaluated: 2025-11-16. Review status: criteria provided, single submitter. Criteria: Invitae Variant Classification Sherloc (09022015). Collection method: clinical testing. Allele origin: germline.
Comment: This sequence change replaces alanine, which is neutral and non-polar, with valine, which is neutral and non-polar, at codon 27 of the SLC22A5 protein (p.Ala27Val). This variant is present in population databases (no rsID available, gnomAD 0.003%). This variant has not been reported in the literature in individuals affected with SLC22A5-related conditions. Invitae Evidence Modeling of protein sequence and biophysical properties (such as structural, functional, and spatial information, amino acid conservation, physicochemical variation, residue mobility, and thermodynamic stability) has been performed for this missense variant. However, the output from this modeling did not meet the statistical confidence thresholds required to predict the impact of this variant on SLC22A5 protein function. In summary, the available evidence is currently insufficient to determine the role of this variant in disease. Therefore, it has been classified as a Variant of Uncertain Significance.

NM_003060.4(SLC22A5):c.80C>T (p.Ala27Val)

Gene: SLC22A5 (solute carrier family 22 member 5; plus strand). Cytogenetic location: 5q31.1.
Variant type: single nucleotide variant.
Coding change: c.80C>T on transcript NM_003060.4 (MANE Select); coding-DNA position 80, C replaced by T.
Protein change: p.Ala27Val; replaces alanine 27 with valine.
Molecular consequence: missense variant.
Genome position (GRCh38, 1-based): chr5:132,370,052, C>T. VCF-style: chr5-132370052-C-T. GRCh37 (hg19) VCF-style: chr5-131705744-C-T.
Other names: c.80C>T, p.Ala27Val (NM_001308122.2); short protein forms A27V.
Identifiers: ClinVar variation 4725856 (VCV004725856.1).